The following is an entry in ClinVar:

NM_144736.5(NDUFAF7):c.937-225_937-224insGGCTGTGTAGTAGTTTGTAGTGTATCTCAGGTGATTCTGATGCATGGTTGATGCATATACTTTGTAAAACACTGCCTAGGTGTTCCCTGCCTAGAGAATTAATGAGAGCTCTATTCCGTCACCTCAAGCATTAATGTAAATATTAAATAACTTTAATATGATAGCATTTCTTTAATCTTAATAACCATAAAAGGGCAAAAATCTGATTTCTTTATGTTCAAGGGGTTTTGCGACCACAAGCTTCATGATGTCTTAATTTTTTTTT

Gene: NDUFAF7 (NADH:ubiquinone oxidoreductase complex assembly factor 7; plus strand). Cytogenetic location: 2p22.2.
Variant type: Insertion.
Coding change: c.937-225_937-224insGGCTGTGTAGTAGTTTGTAGTGTATCTCAGGTGATTCTGATGCATGGTTGATGCATATACTTTGTAAAACACTGCCTAGGTGTTCCCTGCCTAGAGAATTAATGAGAGCTCTATTCCGTCACCTCAAGCATTAATGTAAATATTAAATAACTTTAATATGATAGCATTTCTTTAATCTTAATAACCATAAAAGGGCAAAAATCTGATTTCTTTATGTTCAAGGGGTTTTGCGACCACAAGCTTCATGATGTCTTAATTTTTTTTT on transcript NM_144736.5 (MANE Select); 225 bases into the intron before coding-DNA position 937 through 224 bases into the intron before coding-DNA position 937, GGCTGTGTAGTAGTTTGTAGTGTATCTCAGGTGATTCTGATGCATGGTTGATGCATATACTTTGTAAAACACTGCCTAGGTGTTCCCTGCCTAGAGAATTAATGAGAGCTCTATTCCGTCACCTCAAGCATTAATGTAAATATTAAATAACTTTAATATGATAGCATTTCTTTAATCTTAATAACCATAAAAGGGCAAAAATCTGATTTCTTTATGTTCAAGGGGTTTTGCGACCACAAGCTTCATGATGTCTTAATTTTTTTTT inserted.
Molecular consequence: intron variant.
Genome position: GRCh38: chr2:37,247,231-37,247,232. GRCh37 (hg19): chr2:37,474,374-37,474,375.
Other names: c.937-225_937-224insGGCTGTGTAGTAGTTTGTAGTGTATCTCAGGTGATTCTGATGCATGGTTGATGCATATACTTTGTAAAACACTGCCTAGGTGTTCCCTGCCTAGAGAATTAATGAGAGCTCTATTCCGTCACCTCAAGCATTAATGTAAATATTAAATAACTTTAATATGATAGCATTTCTTTAATCTTAATAACCATAAAAGGGCAAAAATCTGATTTCTTTATGTTCAAGGGGTTTTGCGACCACAAGCTTCATGATGTCTTAATTTTTTTTT (NM_001350024.2); c.724-225_724-224insGGCTGTGTAGTAGTTTGTAGTGTATCTCAGGTGATTCTGATGCATGGTTGATGCATATACTTTGTAAAACACTGCCTAGGTGTTCCCTGCCTAGAGAATTAATGAGAGCTCTATTCCGTCACCTCAAGCATTAATGTAAATATTAAATAACTTTAATATGATAGCATTTCTTTAATCTTAATAACCATAAAAGGGCAAAAATCTGATTTCTTTATGTTCAAGGGGTTTTGCGACCACAAGCTTCATGATGTCTTAATTTTTTTTT (NM_001350027.2); c.856-225_856-224insGGCTGTGTAGTAGTTTGTAGTGTATCTCAGGTGATTCTGATGCATGGTTGATGCATATACTTTGTAAAACACTGCCTAGGTGTTCCCTGCCTAGAGAATTAATGAGAGCTCTATTCCGTCACCTCAAGCATTAATGTAAATATTAAATAACTTTAATATGATAGCATTTCTTTAATCTTAATAACCATAAAAGGGCAAAAATCTGATTTCTTTATGTTCAAGGGGTTTTGCGACCACAAGCTTCATGATGTCTTAATTTTTTTTT (NM_001350025.2); c.643-225_643-224insGGCTGTGTAGTAGTTTGTAGTGTATCTCAGGTGATTCTGATGCATGGTTGATGCATATACTTTGTAAAACACTGCCTAGGTGTTCCCTGCCTAGAGAATTAATGAGAGCTCTATTCCGTCACCTCAAGCATTAATGTAAATATTAAATAACTTTAATATGATAGCATTTCTTTAATCTTAATAACCATAAAAGGGCAAAAATCTGATTTCTTTATGTTCAAGGGGTTTTGCGACCACAAGCTTCATGATGTCTTAATTTTTTTTT (NM_001083946.2).
Identifiers: ClinVar variation 4724198 (VCV004724198.1).

ClinVar aggregate classification (germline): Uncertain significance (1 of 4 stars; one submission).

Submission:

Labcorp Genetics (formerly Invitae), Labcorp
Classification: Uncertain significance. Last evaluated: 2025-07-28. Review status: criteria provided, single submitter. Criteria: Invitae Variant Classification Sherloc (09022015). Collection method: clinical testing. Allele origin: germline.
Comment: This sequence change falls in intron 6 of the NDUFAF7 gene. It does not directly change the encoded amino acid sequence of the NDUFAF7 protein. This variant is not present in population databases (gnomAD no frequency). This variant has not been reported in the literature in individuals affected with NDUFAF7-related conditions. Experimental studies and prediction algorithms are not available or were not evaluated, and the effect of this variant on mRNA splicing is currently unknown. In summary, the available evidence is currently insufficient to determine the role of this variant in disease. Therefore, it has been classified as a Variant of Uncertain Significance.